The following is an entry in ClinVar:

ClinVar aggregate classification (germline): Conflicting classifications of pathogenicity. Review status: criteria provided, conflicting classifications (1 of 4 stars). 6 submissions from 6 submitters: Pathogenic (4); Likely pathogenic (1); Uncertain significance (1). Last evaluated 2025-09-10.

Conditions:
Renal tubular dysgenesis. Also called: Renotubular dysgenesis. Identifiers: Orphanet 3033, MedGen C0266313, MONDO:0017609, HP:0008660.
Microvascular complications of diabetes, susceptibility to, 3. Identifiers: MedGen C2675470, MONDO:0012963, OMIM 612624.
Hemorrhage, intracerebral, susceptibility to (ICH). Also called: Stroke, hemorrhagic, susceptibility to. Identifiers: MedGen C3281105, MONDO:0100533, OMIM 614519.
Renal tubular dysgenesis of genetic origin. Also called: PRIMITIVE RENAL TUBULE SYNDROME. Identifiers: Orphanet 97369, MedGen C5681536, MONDO:0009970, OMIM 267430.
ACE-related disorder. Also called: ACE-related condition; ACE-related disorders.

Submissions (6):

PreventionGenetics, part of Exact Sciences
Classification: Pathogenic for ACE-related condition. Last evaluated: 2025-09-10. Review status: criteria provided, single submitter. Criteria: ACMG Guidelines, 2015. Collection method: clinical testing. Allele origin: germline.
Comment: The ACE c.47_70del24 variant is predicted to result in an in-frame deletion (p.Leu16_Pro23del). This variant has been reported in the homozygous and compound heterozygous state in multiple individuals with autosomal recessive renal tubular dysgenesis (Table 2, Gribouval et al. 2012. PubMed ID: 22095942; Gaffar et al. 2022. PubMed ID: 35848000). Deletions of one or multiple leucine residues in exon 1 of the ACE gene have been commonly reported to be pathogenic for autosomal recessive renal tubular dysgenesis secondary to disrupted translocation of the protein to the endoplasmic reticulum (Gribouval et al. 2010. PubMed ID: 20607303). This variant is reported in 0.018% of alleles in individuals of European (non-Finnish) descent in gnomAD and is interpreted as likely pathogenic/pathogenic in ClinVar (ID: 1219086). In summary, we classify this variant as pathogenic.

GeneDx
Classification: Pathogenic. Last evaluated: 2025-08-22. Review status: criteria provided, single submitter. Criteria: GeneDx Variant Classification Process June 2021. Collection method: clinical testing. Allele origin: germline. Affected: yes.
Comment: In-frame deletion of 8 amino acids in a non-repeat region predicted to critically alter the protein; In silico analysis supports a deleterious effect on protein structure/function; This variant is associated with the following publications: (PMID: 22095942, 35848000)

Labcorp Genetics (formerly Invitae), Labcorp
Classification: Uncertain significance. Last evaluated: 2024-06-20. Review status: criteria provided, single submitter. Criteria: Invitae Variant Classification Sherloc (09022015). Collection method: clinical testing. Allele origin: germline.
Comment: This variant, c.47_70del, results in the deletion of 8 amino acid(s) of the ACE protein (p.Leu16_Pro23del), but otherwise preserves the integrity of the reading frame. This variant is present in population databases (no rsID available, gnomAD 0.04%). This variant has been observed in individuals with renal tubular dysgenesis (PMID: 22095942, 35848000). ClinVar contains an entry for this variant (Variation ID: 1219086). In summary, the available evidence is currently insufficient to determine the role of this variant in disease. Therefore, it has been classified as a Variant of Uncertain Significance.

Blueprint Genetics
Classification: Pathogenic for ACE-related disorders. Last evaluated: 2024-03-20. Review status: criteria provided, single submitter. Criteria: ACMG Guidelines, 2015. Collection method: clinical testing. Allele origin: germline. Affected: yes. Observed: 5 variant alleles.

Fulgent Genetics
Classification: Likely pathogenic for Renal tubular dysgenesis of genetic origin; Microvascular complications of diabetes, susceptibility to, 3; Hemorrhage, intracerebral, susceptibility to. Last evaluated: 2021-12-03. Review status: criteria provided, single submitter. Criteria: ACMG Guidelines, 2015. Collection method: clinical testing. Allele origin: unknown.

Rady Children's Institute for Genomic Medicine, Rady Children's Hospital San Diego
Classification: Pathogenic for RENAL TUBULAR DYSGENESIS. Review status: criteria provided, single submitter. Criteria: ACMG Guidelines, 2015. Collection method: clinical testing. Allele origin: germline. Affected: yes.
Comment: This 24 base pair in-frame deletion variant found in exon 1 of 25 leads to the loss of 8 amino acid residues. This variant has been previously reported in the homozygous state in two individuals and the compound heterozygous state with a pathogenic truncating variant in one individual with Renal Tubular Dysgenesis (PMID: 22095942). These individuals exhibited high renin expression, indicating a loss of ACE protein function. Variants in exon 1 of the ACE gene that completely disrupt the signal peptide sequence or result in the deletion of one or several leucine residues are predicted to prevent the normal translocation of the protein to the endoplasmic reticulum (PMID: 22095942, 19664745). This variant is present in the heterozygous state in the gnomAD population database at a frequency of 0.0096% (9/93296) and thus is presumed to be rare. Based on the available evidence, the c.47_70del (p.Leu16_Pro23del) variant is classified as Pathogenic.

Literature cited by the submitters: PubMed 22095942 (cited by Labcorp Genetics (formerly Invitae), Labcorp); PubMed 35848000 (cited by Labcorp Genetics (formerly Invitae), Labcorp).

NM_000789.4(ACE):c.47_70del (p.Leu16_Pro23del)

Gene: ACE (angiotensin I converting enzyme; plus strand). Cytogenetic location: 17q23.3.
Variant type: Deletion.
Coding change: c.47_70del on transcript NM_000789.4 (MANE Select); coding-DNA positions 47 to 70, 24 bases deleted (TGCCGCTGCTGTTGCTGCTGCCGC).
Protein change: p.Leu16_Pro23del.
Molecular consequence: inframe deletion. On other transcripts: 5 prime UTR variant (2).
Genome position (GRCh38, 1-based): chr17:63,477,141-63,477,164, TGCCGCTGCTGTTGCTGCTGCCGC deleted; deleting any 24 consecutive bases within chr17:63,477,129-63,477,164 gives the same sequence; the c. name uses the placement nearest the transcript's 3' end. VCF-style (leftmost placement, unchanged base first): chr17-63477128-CTGCTGCTGCCGCTGCCGCTGCTGT-C. GRCh37 (hg19) VCF-style: chr17-61554489-CTGCTGCTGCCGCTGCCGCTGCTGT-C.
Other names: c.-189_-166del (NM_001382700.1); c.-568_-545del (NM_001382701.1); c.47_70del (NM_000789.3); c.47_70del24 (NM_000789.3).
Identifiers: ClinVar variation 1219086 (VCV001219086.11), dbSNP rs983649759, ClinGen allele CA292870253.
Genomic context (GRCh38, chr17:63,477,128, plus strand): 5'-GCAGAGCCGAGCACCGCGCACCGCGTCATGGGGGCCGCCTCGGGCCGCCGGGGGCCGGGG[CTGCTGCTGCCGCTGCCGCTGCTGT>C]TGCTGCTGCCGCCGCAGCCCGCCCTGGCGTTGGACCCCGGGCTGCAGCCCGGCAACTTTT-3'